The following is an entry in ClinVar:

NM_000059.4(BRCA2):c.1964C>A (p.Pro655Gln)

Gene: BRCA2 (BRCA2 DNA repair associated; plus strand). Cytogenetic location: 13q13.1.
Variant type: single nucleotide variant.
Coding change: c.1964C>A on transcript NM_000059.4 (MANE Select); coding-DNA position 1964, C replaced by A.
Protein change: p.Pro655Gln; replaces proline 655 with glutamine.
Molecular consequence: missense variant.
Genome position (GRCh38, 1-based): chr13:32,336,319, C>A. VCF-style: chr13-32336319-C-A. GRCh37 (hg19) VCF-style: chr13-32910456-C-A.
Other names: short protein forms P655Q.
Identifiers: ClinVar variation 820432 (VCV000820432.15), dbSNP rs28897712, ClinGen allele CA387768508.

ClinVar aggregate classification (germline): Conflicting classifications of pathogenicity. Review status: criteria provided, conflicting classifications (1 of 4 stars). 4 submissions from 4 submitters: Uncertain significance (3); Likely benign (1). Last evaluated 2025-11-30.

Conditions:
Hereditary breast ovarian cancer syndrome. Also called: Hereditary breast and/or ovarian cancer syndrome; BRCA1- and BRCA2-Associated Hereditary Breast and Ovarian Cancer; Hereditary breast and ovarian cancer syndrome; Hereditary breast and ovarian cancer; Hereditary breast and ovarian cancer syndrome (HBOC); Breast and ovarian cancer. Identifiers: Orphanet 145, MedGen C0677776, MeSH D061325, MONDO:0003582. Disease mechanism: loss of function.
Hereditary cancer-predisposing syndrome. Also called: Neoplastic Syndromes, Hereditary; Tumor predisposition; Hereditary Cancer Syndrome; Hereditary neoplastic syndrome. Identifiers: Orphanet 140162, MedGen C0027672, MeSH D009386, MONDO:0015356.

gnomAD v4.1: 2 of 1,601,812 alleles (0.00012%); highest among the groups gnomAD compares: Admixed American, 0.0035%; no homozygotes.

Submissions (4):

Labcorp Genetics (formerly Invitae), Labcorp
Classification: Uncertain significance for Hereditary breast ovarian cancer syndrome. Last evaluated: 2025-11-30. Review status: criteria provided, single submitter. Criteria: Invitae Variant Classification Sherloc (09022015). Collection method: clinical testing. Allele origin: germline.
Comment: This sequence change replaces proline, which is neutral and non-polar, with glutamine, which is neutral and polar, at codon 655 of the BRCA2 protein (p.Pro655Gln). The frequency data for this variant in the population databases is considered unreliable, as metrics indicate poor data quality at this position in the gnomAD database. This missense change has been observed in individual(s) with clinical features of BRCA2-related features (PMID: 21520333). ClinVar contains an entry for this variant (Variation ID: 820432). Invitae Evidence Modeling of protein sequence and biophysical properties (such as structural, functional, and spatial information, amino acid conservation, physicochemical variation, residue mobility, and thermodynamic stability) indicates that this missense variant is not expected to disrupt BRCA2 protein function with a negative predictive value of 95%. In summary, the available evidence is currently insufficient to determine the role of this variant in disease. Therefore, it has been classified as a Variant of Uncertain Significance.

Quest Diagnostics Nichols Institute San Juan Capistrano
Classification: Uncertain significance. Last evaluated: 2025-07-03. Review status: criteria provided, single submitter. Criteria: Quest Diagnostics criteria. Collection method: clinical testing. Allele origin: unknown.
Comment: The BRCA2 c.1964C>A (p.Pro655Gln) variant has been reported in the published literature to be located in a region of the BRCA2 gene that is tolerant to missense sequence changes (PMID: 31911673 (2020)). The frequency of this variant in the general population (Genome Aggregation Database) is uninformative in the assessment of its pathogenicity. Analysis of this variant using bioinformatics tools for the prediction of the effect of amino acid changes on protein structure and function yielded predictions that this variant is benign. Based on the available information, we are unable to determine the clinical significance of this variant.

Ambry Genetics
Classification: Uncertain significance for Hereditary cancer-predisposing syndrome. Last evaluated: 2024-11-22. Review status: criteria provided, single submitter. Criteria: Ambry Variant Classification Scheme 2023. Collection method: clinical testing. Allele origin: germline.
Comment: The p.P655Q variant (also known as c.1964C>A), located in coding exon 10 of the BRCA2 gene, results from a C to A substitution at nucleotide position 1964. The proline at codon 655 is replaced by glutamine, an amino acid with similar properties. This amino acid position is poorly conserved in available vertebrate species. In addition, this alteration is predicted to be tolerated by in silico analysis. Since supporting evidence is limited at this time, the clinical significance of this alteration remains unclear.

University of Washington Department of Laboratory Medicine, University of Washington
Classification: Likely benign for Hereditary cancer-predisposing syndrome. Last evaluated: 2023-03-23. Review status: criteria provided, single submitter. Criteria: Dines et al. (Genet Med. 2020). Collection method: curation. Allele origin: germline.
Comment: Missense variant in a coldspot region where missense variants are very unlikely to be pathogenic (PMID:31911673).

BRCA2 exon 11 coldspot. Reclassification based on statistical prior probability.

Literature cited by the submitters: PubMed 21520333 (cited by Labcorp Genetics (formerly Invitae), Labcorp); PubMed 31911673 (cited by Quest Diagnostics Nichols Institute San Juan Capistrano).